The following is an entry in ClinVar:

NM_000051.4(ATM):c.7268A>C (p.Glu2423Ala)

Genes: ATM (ATM serine/threonine kinase; plus strand), C11orf65 (chromosome 11 open reading frame 65; minus strand). Cytogenetic location: 11q22.3.
Variant type: single nucleotide variant.
Coding change: c.7268A>C on transcript NM_000051.4 (MANE Select); coding-DNA position 7268, A replaced by C.
Protein change: p.Glu2423Ala; replaces glutamic acid 2423 with alanine.
Molecular consequence: missense variant. On other transcripts: intron variant (2).
Genome position (GRCh38, 1-based): chr11:108,329,199, A>C. VCF-style: chr11-108329199-A-C. GRCh37 (hg19) VCF-style: chr11-108199926-A-C.
Other names: c.7268A>C, p.Glu2423Ala (NM_001351834.2); c.641-20128T>G (NM_001330368.2); c.*38+6021T>G (NM_001351110.2); short protein forms E2423A.
Identifiers: ClinVar variation 2780232 (VCV002780232.3), dbSNP rs121434221, ClinGen allele CA382559762.

ClinVar aggregate classification (germline): Uncertain significance (1 of 4 stars; one submission).

Conditions:
Ataxia-telangiectasia syndrome (AT). Also called: LOUIS-BAR SYNDROME; Cerebello-oculocutaneous telangiectasia; Immunodeficiency with ataxia telangiectasia; Ataxia telangiectasia (A-T); Ataxia-telangiectasia, complementation group D; AT, COMPLEMENTATION GROUP C. Identifiers: Orphanet 100, MedGen C0004135, MONDO:0008840, OMIM 208900.

Submission:

Labcorp Genetics (formerly Invitae), Labcorp
Classification: Uncertain significance for Ataxia-telangiectasia syndrome. Last evaluated: 2023-08-01. Review status: criteria provided, single submitter. Criteria: Invitae Variant Classification Sherloc (09022015). Collection method: clinical testing. Allele origin: germline.
Comment: An algorithm developed to predict the effect of missense changes on protein structure and function (PolyPhen-2) suggests that this variant is likely to be disruptive. This missense change has been observed in individual(s) with prostrate cancer (PMID: 33436325). This variant is not present in population databases (gnomAD no frequency). This sequence change replaces glutamic acid, which is acidic and polar, with alanine, which is neutral and non-polar, at codon 2423 of the ATM protein (p.Glu2423Ala). Algorithms developed to predict the effect of sequence changes on RNA splicing suggest that this variant may disrupt the consensus splice site. In summary, the available evidence is currently insufficient to determine the role of this variant in disease. Therefore, it has been classified as a Variant of Uncertain Significance.

Literature cited by the submitters: PubMed 33436325.